The following is an entry in ClinVar:

ClinVar aggregate classification (germline): Likely benign (0 of 4 stars; one submission).

Conditions:
PHIP-related disorder. Also called: PHIP-related condition; PHIP-related disorders.

Submission:

PreventionGenetics, part of Exact Sciences
Classification: Likely benign for PHIP-related condition. Last evaluated: 2023-03-29. Review status: no assertion criteria provided. Collection method: clinical testing. Allele origin: germline.
Comment: This variant is classified as likely benign based on ACMG/AMP sequence variant interpretation guidelines (Richards et al. 2015 PMID: 25741868, with internal and published modifications).

NM_017934.7(PHIP):c.1384C>T (p.Leu462=)

Gene: PHIP (PHIP subunit of CUL4-Ring ligase complex; minus strand). Cytogenetic location: 6q14.1.
Variant type: single nucleotide variant.
Coding change: c.1384C>T on transcript NM_017934.7 (MANE Select); coding-DNA position 1384, C replaced by T.
Protein change: p.Leu462=; no amino-acid change (leucine 462 retained).
Molecular consequence: synonymous variant.
Genome position (GRCh38, 1-based): chr6:79,015,635, G>A on the plus strand (C>T on the coding strand, the complement: PHIP is on the minus strand). VCF-style: chr6-79015635-G-A. GRCh37 (hg19) VCF-style: chr6-79725352-G-A.
Identifiers: ClinVar variation 3356843 (VCV003356843.1).